The following is an entry in ClinVar:

NM_032776.3(JMJD1C):c.2809A>G (p.Lys937Glu)

Gene: JMJD1C (jumonji domain containing 1C; minus strand). Cytogenetic location: 10q21.3.
Variant type: single nucleotide variant.
Coding change: c.2809A>G on transcript NM_032776.3 (MANE Select); coding-DNA position 2809, A replaced by G.
Protein change: p.Lys937Glu; replaces lysine 937 with glutamic acid.
Molecular consequence: missense variant. On other transcripts: non-coding transcript variant (1).
Genome position (GRCh38, 1-based): chr10:63,209,121, T>C on the plus strand (A>G on the coding strand, the complement: JMJD1C is on the minus strand). VCF-style: chr10-63209121-T-C. GRCh37 (hg19) VCF-style: chr10-64968881-T-C.
Other names: c.2263A>G, p.Lys755Glu (NM_001282948.2, NM_001318154.2); c.1945A>G, p.Lys649Glu (NM_001318153.2); c.2695A>G, p.Lys899Glu (NM_001322252.2); c.2152A>G, p.Lys718Glu (NM_001322254.2, NM_001322258.2); short protein forms K649E, K718E, K755E, K899E, K937E.
Identifiers: ClinVar variation 1005711 (VCV001005711.8), dbSNP rs1450318724, ClinGen allele CA377043567.

ClinVar aggregate classification (germline): Uncertain significance (1 of 4 stars; one submission).

Conditions:
Early Myoclonic Encephalopathy. Identifiers: MedGen C0270855.

Allele frequency attached by ClinVar (database versions not stated): gnomAD 0.00001; TOPMed below 0.00001.
gnomAD v4.1: 1 of 1,613,876 alleles (0.000062%); highest among the groups gnomAD compares: Non-Finnish European, 0.000085%; no homozygotes.

Submission:

Labcorp Genetics (formerly Invitae), Labcorp
Classification: Uncertain significance for Early Myoclonic Encephalopathy. Last evaluated: 2020-06-21. Review status: criteria provided, single submitter. Criteria: Invitae Variant Classification Sherloc (09022015). Collection method: clinical testing. Allele origin: germline.
Comment: In summary, the available evidence is currently insufficient to determine the role of this variant in disease. Therefore, it has been classified as a Variant of Uncertain Significance. This variant is not present in population databases (ExAC no frequency). Algorithms developed to predict the effect of missense changes on protein structure and function are either unavailable or do not agree on the potential impact of this missense change (SIFT: "Deleterious"; PolyPhen-2: "Probably Damaging"; Align-GVGD: "Class C0"). This variant has not been reported in the literature in individuals with JMJD1C-related conditions. This sequence change replaces lysine with glutamic acid at codon 937 of the JMJD1C protein (p.Lys937Glu). The lysine residue is moderately conserved and there is a small physicochemical difference between lysine and glutamic acid.